The following is an entry in ClinVar:

NM_004100.5(EYA4):c.1501+6T>C

Genes: TARID (TCF21 antisense RNA inducing promoter demethylation; minus strand), EYA4 (EYA transcriptional coactivator and phosphatase 4; plus strand). Cytogenetic location: 6q23.2.
Variant type: single nucleotide variant.
Coding change: c.1501+6T>C on transcript NM_004100.5 (MANE Select); 6 bases into the intron after coding-DNA position 1501, T replaced by C.
Molecular consequence: intron variant.
Genome position (GRCh38, 1-based): chr6:133,513,044, T>C. VCF-style: chr6-133513044-T-C. GRCh37 (hg19) VCF-style: chr6-133834182-T-C.
Other names: c.1519+6T>C (NM_001301013.2); c.1501+6T>C (NM_172105.4); c.1432+6T>C (NM_001370458.1, NM_172103.4); c.1357+6T>C (NM_001370459.1); c.1339+6T>C (NM_001301012.2).
Identifiers: ClinVar variation 1373967 (VCV001373967.6), dbSNP rs1209961033, ClinGen allele CA570975804.

ClinVar aggregate classification (germline): Uncertain significance (1 of 4 stars; one submission).

Conditions:
Dilated cardiomyopathy 1J (CMD1J). Also called: CARDIOMYOPATHY, DILATED, WITH SENSORINEURAL HEARING LOSS, AUTOSOMAL DOMINANT. Identifiers: Orphanet 217622, MedGen C1854368, MONDO:0011541, OMIM 605362.

Allele frequency attached by ClinVar (database versions not stated): TOPMed below 0.00001; gnomAD exomes 0.00001.
gnomAD v4.1: 7 of 1,613,320 alleles (0.00043%); highest among the groups gnomAD compares: South Asian, 0.0077%; no homozygotes.

Submission:

Labcorp Genetics (formerly Invitae), Labcorp
Classification: Uncertain significance for Dilated cardiomyopathy 1J. Last evaluated: 2021-08-11. Review status: criteria provided, single submitter. Criteria: Invitae Variant Classification Sherloc (09022015). Collection method: clinical testing. Allele origin: germline.
Comment: This sequence change falls in intron 16 of the EYA4 gene. It does not directly change the encoded amino acid sequence of the EYA4 protein. It affects a nucleotide within the consensus splice site of the intron. This variant is not present in population databases (ExAC no frequency). In summary, the available evidence is currently insufficient to determine the role of this variant in disease. Therefore, it has been classified as a Variant of Uncertain Significance. Variants that disrupt the consensus splice site are a relatively common cause of aberrant splicing (PMID: 17576681, 9536098). Algorithms developed to predict the effect of sequence changes on RNA splicing suggest that this variant is not likely to affect RNA splicing. This variant has not been reported in the literature in individuals affected with EYA4-related conditions.

Literature cited by the submitters: PubMed 17576681; PubMed 9536098.